The following is an entry in ClinVar:

ClinVar aggregate classification (germline): Uncertain significance (1 of 4 stars; one submission).

Conditions:
Hereditary cancer-predisposing syndrome. Also called: Hereditary Cancer Syndrome; Neoplastic Syndromes, Hereditary; Tumor predisposition; Hereditary neoplastic syndrome. Identifiers: Orphanet 140162, MedGen C0027672, MeSH D009386, MONDO:0015356.

Submission:

Ambry Genetics
Classification: Uncertain significance for Hereditary cancer-predisposing syndrome. Last evaluated: 2026-09-06. Review status: criteria provided, single submitter. Criteria: Ambry Variant Classification Scheme 2023. Collection method: clinical testing. Allele origin: germline.
Comment: The p.V422G variant (also known as c.1265T>G), located in coding exon 8 of the CTNNA1 gene, results from a T to G substitution at nucleotide position 1265. The valine at codon 422 is replaced by glycine, an amino acid with dissimilar properties. This amino acid position is conserved. In addition, this alteration is predicted to be deleterious by in silico analysis. Based on the available evidence, the clinical significance of this variant remains unclear.

NM_001903.5(CTNNA1):c.1265T>G (p.Val422Gly)

Gene: CTNNA1 (catenin alpha 1; plus strand). Cytogenetic location: 5q31.2.
Variant type: single nucleotide variant.
Coding change: c.1265T>G on transcript NM_001903.5 (MANE Select); coding-DNA position 1265, T replaced by G.
Protein change: p.Val422Gly; replaces valine 422 with glycine.
Molecular consequence: missense variant. On other transcripts: intron variant (2), 5 prime UTR variant (5).
Genome position (GRCh38, 1-based): chr5:138,887,611, T>G. VCF-style: chr5-138887611-T-G. GRCh37 (hg19) VCF-style: chr5-138223300-T-G.
Other names: c.-61+12014T>G (NM_001324010.1); c.1265T>G, p.Val422Gly (NM_001290307.3, NM_001323982.2, NM_001323983.1 and 3 more transcripts); c.956T>G, p.Val319Gly (NM_001290309.3); c.896T>G, p.Val299Gly (NM_001290310.3); c.155T>G, p.Val52Gly (NM_001290312.1, NM_001323987.1, NM_001323988.1 and 18 more transcripts); c.-243T>G (NM_001324006.1, NM_001324007.1, NM_001324008.1 and 1 more transcripts); c.-118T>G (NM_001324013.1); c.-58+12014T>G (NM_001324012.1); short protein forms V319G, V422G, V299G, V52G.
Identifiers: ClinVar variation 5035022 (VCV005035022.1).